The following is an entry in ClinVar:

ClinVar aggregate classification (germline): Likely benign (0 of 4 stars; one submission).

Conditions:
ABCG1-related disorder. Also called: ABCG1-related condition.

Allele frequency attached by ClinVar (database versions not stated): ESP Exome Variant Server 0.00085; gnomAD 0.00091; ExAC 0.00053; 1000 Genomes Project 30x 0.00078; 1000 Genomes Project 0.00100; gnomAD exomes 0.00111; TOPMed 0.00138.
gnomAD v4.1: 1,756 of 1,613,984 alleles (0.11%); highest among the groups gnomAD compares: Admixed American, 0.16%; 2 homozygotes.

Submission:

PreventionGenetics, part of Exact Sciences
Classification: Likely benign for ABCG1-related condition. Last evaluated: 2019-05-30. Review status: no assertion criteria provided. Collection method: clinical testing. Allele origin: germline.
Comment: This variant is classified as likely benign based on ACMG/AMP sequence variant interpretation guidelines (Richards et al. 2015 PMID: 25741868, with internal and published modifications).

NM_016818.3(ABCG1):c.138G>A (p.Thr46=)

Gene: ABCG1 (ATP binding cassette subfamily G member 1; plus strand). Cytogenetic location: 21q22.3.
Variant type: single nucleotide variant.
Coding change: c.138G>A on transcript NM_016818.3 (MANE Select); coding-DNA position 138, G replaced by A.
Protein change: p.Thr46=; no amino-acid change (threonine 46 retained).
Molecular consequence: synonymous variant.
Genome position (GRCh38, 1-based): chr21:42,225,766, G>A. VCF-style: chr21-42225766-G-A. GRCh37 (hg19) VCF-style: chr21-43645876-G-A.
Other names: c.138G>A, p.Thr46= (NM_004915.4); c.171G>A, p.Thr57= (NM_207174.1); c.144G>A, p.Thr48= (NM_207627.2); c.72G>A, p.Thr24= (NM_207628.1); c.129G>A, p.Thr43= (NM_207629.2).
Identifiers: ClinVar variation 3044875 (VCV003044875.2), dbSNP rs141619254, ClinGen allele CA10040865.